The following is an entry in ClinVar:

ClinVar aggregate classification (germline): Uncertain significance (1 of 4 stars; one submission).

Conditions:
Baller-Gerold syndrome (BGS). Also called: CRANIOSYNOSTOSIS WITH RADIAL DEFECTS. Identifiers: Orphanet 1225, MedGen C0265308, MONDO:0009039, OMIM 218600.

Allele frequency attached by ClinVar (database versions not stated): TOPMed below 0.00001; ExAC 0.00001.

Submission:

Labcorp Genetics (formerly Invitae), Labcorp
Classification: Uncertain significance for Baller-Gerold syndrome. Last evaluated: 2024-06-09. Review status: criteria provided, single submitter. Criteria: Invitae Variant Classification Sherloc (09022015). Collection method: clinical testing. Allele origin: germline.
Comment: This sequence change replaces glycine, which is neutral and non-polar, with aspartic acid, which is acidic and polar, at codon 392 of the RECQL4 protein (p.Gly392Asp). This variant is present in population databases (rs745923592, gnomAD 0.0009%). This variant has not been reported in the literature in individuals affected with RECQL4-related conditions. ClinVar contains an entry for this variant (Variation ID: 528949). Advanced modeling of protein sequence and biophysical properties (such as structural, functional, and spatial information, amino acid conservation, physicochemical variation, residue mobility, and thermodynamic stability) performed at Invitae indicates that this missense variant is not expected to disrupt RECQL4 protein function with a negative predictive value of 80%. In summary, the available evidence is currently insufficient to determine the role of this variant in disease. Therefore, it has been classified as a Variant of Uncertain Significance.

NM_004260.4(RECQL4):c.1175G>A (p.Gly392Asp)

Gene: RECQL4 (RecQ like helicase 4; minus strand). Cytogenetic location: 8q24.3.
Variant type: single nucleotide variant.
Coding change: c.1175G>A on transcript NM_004260.4 (MANE Select); coding-DNA position 1175, G replaced by A.
Protein change: p.Gly392Asp; replaces glycine 392 with aspartic acid.
Molecular consequence: missense variant.
Genome position (GRCh38, 1-based): chr8:144,515,847, C>T on the plus strand (G>A on the coding strand, the complement: RECQL4 is on the minus strand). VCF-style: chr8-144515847-C-T. GRCh37 (hg19) VCF-style: chr8-145741231-C-T.
Other names: short protein forms G392D.
Identifiers: ClinVar variation 528949 (VCV000528949.6), dbSNP rs745923592, ClinGen allele CA4948997.